The following is an entry in ClinVar:

NM_001370259.2(MEN1):c.1349A>G (p.Gln450Arg)

Gene: MEN1 (menin 1; minus strand). Cytogenetic location: 11q13.1.
Variant type: single nucleotide variant.
Coding change: c.1349A>G on transcript NM_001370259.2 (MANE Select); coding-DNA position 1349, A replaced by G.
Protein change: p.Gln450Arg; replaces glutamine 450 with arginine.
Molecular consequence: missense variant. On other transcripts: non-coding transcript variant (4), intron variant (1).
Genome position (GRCh38, 1-based): chr11:64,805,035, T>C on the plus strand (A>G on the coding strand, the complement: MEN1 is on the minus strand). VCF-style: chr11-64805035-T-C. GRCh37 (hg19) VCF-style: chr11-64572507-T-C.
Other names: c.1364A>G, p.Gln455Arg (NM_000244.4, NM_001407145.1, NM_130800.3 and 4 more transcripts); c.1475A>G, p.Gln492Arg (NM_001370251.2, NM_001407142.1, NM_001407143.1 and 1 more transcripts); c.1349A>G, p.Gln450Arg (NM_001370260.2, NM_001370261.2, NM_001407146.1 and 2 more transcripts); c.1244A>G, p.Gln415Arg (NM_001370262.2, NM_001370263.2, NM_001407148.1 and 1 more transcripts); c.1490A>G, p.Gln497Arg (NM_001407150.1); c.1370A>G, p.Gln457Arg (NM_001407151.1); c.1186-219A>G (NM_001407152.1); short protein forms Q415R, Q450R, Q455R, Q457R, Q492R, Q497R.
Identifiers: ClinVar variation 3229058 (VCV003229058.1), dbSNP rs2136099376, ClinGen allele CA381180013.

ClinVar aggregate classification (germline): Uncertain significance (1 of 4 stars; one submission).

Conditions:
Hereditary cancer-predisposing syndrome. Also called: Neoplastic Syndromes, Hereditary; Tumor predisposition; Hereditary neoplastic syndrome; Hereditary Cancer Syndrome. Identifiers: Orphanet 140162, MedGen C0027672, MeSH D009386, MONDO:0015356.

Submission:

Ambry Genetics
Classification: Uncertain significance for Hereditary cancer-predisposing syndrome. Last evaluated: 2024-01-11. Review status: criteria provided, single submitter. Criteria: Ambry Variant Classification Scheme 2023. Collection method: clinical testing. Allele origin: germline.
Comment: The p.Q450R variant (also known as c.1349A>G), located in coding exon 8 of the MEN1 gene, results from an A to G substitution at nucleotide position 1349. The glutamine at codon 450 is replaced by arginine, an amino acid with highly similar properties. This amino acid position is well conserved in available vertebrate species. In addition, the in silico prediction for this alteration is inconclusive. Since supporting evidence is limited at this time, the clinical significance of this alteration remains unclear.